The following is an entry in ClinVar:

NM_032409.3(PINK1):c.1147G>A (p.Ala383Thr)

Genes: PINK1 (PTEN induced kinase 1; plus strand), PINK1-AS (PINK1 antisense RNA; minus strand). Cytogenetic location: 1p36.12.
Variant type: single nucleotide variant.
Coding change: c.1147G>A on transcript NM_032409.3 (MANE Select); coding-DNA position 1147, G replaced by A.
Protein change: p.Ala383Thr; replaces alanine 383 with threonine.
Molecular consequence: missense variant. On other transcripts: non-coding transcript variant (1).
Genome position (GRCh38, 1-based): chr1:20,648,528, G>A. VCF-style: chr1-20648528-G-A. GRCh37 (hg19) VCF-style: chr1-20975021-G-A.
Other names: short protein forms A383T.
Identifiers: ClinVar variation 618283 (VCV000618283.22), dbSNP rs45515602, ClinGen allele CA660721.

ClinVar aggregate classification (germline): Conflicting classifications of pathogenicity. Review status: criteria provided, conflicting classifications (1 of 4 stars). 5 submissions from 5 submitters: Uncertain significance (1); Likely benign (4). Last evaluated 2025-12-04.

Conditions:
Autosomal recessive early-onset Parkinson disease 6 (PARK6). Also called: PARKINSON DISEASE 6, MODIFIER OF; PINK1 Type of Young-Onset Parkinson Disease; PARKINSON DISEASE 6, EARLY-ONSET; PINK1-Related Parkinson Disease. Identifiers: Orphanet 2828, MedGen C1853833, MONDO:0011613, OMIM 605909.

Allele frequency attached by ClinVar (database versions not stated): ESP Exome Variant Server 0.00023; gnomAD exomes 0.00025 and 0.00028; ExAC 0.00028; gnomAD 0.00043 and 0.00046; TOPMed 0.00054; 1000 Genomes Project 0.00120; 1000 Genomes Project 30x 0.00125.

Submissions (5):

Labcorp Genetics (formerly Invitae), Labcorp
Classification: Likely benign for Autosomal recessive early-onset Parkinson disease 6. Last evaluated: 2025-12-04. Review status: criteria provided, single submitter. Criteria: Invitae Variant Classification Sherloc (09022015). Collection method: clinical testing. Allele origin: germline.

Women's Health and Genetics/Laboratory Corporation of America, LabCorp
Classification: Likely benign. Last evaluated: 2024-12-24. Review status: criteria provided, single submitter. Criteria: LabCorp Variant Classification Summary - May 2015. Collection method: clinical testing. Allele origin: germline.
Comment: Variant summary: PINK1 c.1147G>A (p.Ala383Thr) results in a non-conservative amino acid change in the encoded protein sequence. Four of five in-silico tools predict a benign effect of the variant on protein function. The variant allele was found at a frequency of 0.00028 in 251228 control chromosomes (gnomAD, Ishihara-Paul_2008), including 2 homozygotes. c.1147G>A has been reported in the literature in heterozygous individuals affected with Parkinson Disease without strong evidence of causality (e.g. Abou-Sleiman_2006, Ishihara-Paul_2008, Zhao_2020, Smali_2023). These reports do not provide unequivocal conclusions about association of the variant with Autosomal Recessive Early-Onset Parkinson Disease 6. To our knowledge, no experimental evidence demonstrating an impact on protein function has been reported. The following publications have been ascertained in the context of this evaluation (PMID: 16969854, 32613234, 37256495, 18685134). ClinVar contains an entry for this variant (Variation ID: 618283). Based on the evidence outlined above, the variant was classified as likely benign.

Blueprint Genetics
Classification: Likely benign. Last evaluated: 2024-10-02. Review status: criteria provided, single submitter. Criteria: ACMG Guidelines, 2015. Collection method: clinical testing. Allele origin: germline.

ARUP Laboratories, Molecular Genetics and Genomics, ARUP Laboratories
Classification: Uncertain significance. Last evaluated: 2018-05-03. Review status: criteria provided, single submitter. Criteria: ARUP Molecular Germline Variant Investigation Process. Collection method: clinical testing. Allele origin: germline.
Comment: The PINK1 c.1147G>A; p.Ala383Thr variant (rs45515602) has been previously reported in three patients included in Parkinsonâ€™s disease cohorts (Abou-Sleiman 2006, Ibanez 2006, and Marongiu 2008). While no functional data has been collected, an in silico analysis suggests this variant is damaging (Sim 2012). Thus, based on the available evidence, this the clinical significance of this variant is uncertain. References: Abou-Sleiman PM et al. A heterozygous effect for PINK1 mutations in Parkinson's disease? Ann Neurol. 2006 Oct;60(4):414-9. Sim CH et al. Analysis of the regulatory and catalytic domains of PTEN-induced kinase-1 (PINK1). Hum Mutat. 2012 Oct;33(10):1408-22. Ibanez P et al. Mutational analysis of the PINK1 gene in early-onset parkinsonism in Europe and North Africa. Brain. 2006 Mar;129(Pt 3):686-94. Marongiu R et al. PINK1 heterozygous rare variants: prevalence, significance and phenotypic spectrum. Hum Mutat. 2008 Apr;29(4):565.

Illumina Laboratory Services, Illumina
Classification: Likely benign for Autosomal recessive early-onset Parkinson disease 6. Last evaluated: 2017-04-27. Review status: criteria provided, single submitter. Criteria: ICSL Variant Classification Criteria 13 December 2019. Collection method: clinical testing. Allele origin: germline.
Comment: This variant was observed as part of a predisposition screen in an ostensibly healthy population. A literature search was performed for the gene, cDNA change, and amino acid change (where applicable). Publications were found based on this search. The evidence from the literature, in combination with allele frequency data from public databases where available, was sufficient to determine this variant is unlikely to cause disease. Therefore, this variant is classified as likely benign.

Literature cited by the submitters: PubMed 32613234 (cited by Women's Health and Genetics/Laboratory Corporation of America, LabCorp); PubMed 16969854 (cited by Women's Health and Genetics/Laboratory Corporation of America, LabCorp and Illumina Laboratory Services, Illumina); PubMed 37256495 (cited by Women's Health and Genetics/Laboratory Corporation of America, LabCorp); PubMed 18685134 (cited by Women's Health and Genetics/Laboratory Corporation of America, LabCorp and Illumina Laboratory Services, Illumina); PubMed 16401616 (cited by Illumina Laboratory Services, Illumina); PubMed 19890973 (cited by Illumina Laboratory Services, Illumina); PubMed 16805805 (cited by Illumina Laboratory Services, Illumina); PubMed 18330912 (cited by Illumina Laboratory Services, Illumina).